The following is an entry in ClinVar:

ClinVar aggregate classification (germline): Uncertain significance (1 of 4 stars; one submission).

Submission:

GeneDx
Classification: Uncertain significance. Last evaluated: 2024-04-09. Review status: criteria provided, single submitter. Criteria: GeneDx Variant Classification Process June 2021. Collection method: clinical testing. Allele origin: germline. Affected: yes.
Comment: Not observed at significant frequency in large population cohorts (gnomAD); In silico analysis supports that this missense variant has a deleterious effect on protein structure/function; Has not been previously published as pathogenic or benign to our knowledge

NM_001161352.2(KCNMA1):c.2318G>T (p.Gly773Val)

Genes: KCNMA1 (potassium calcium-activated channel subfamily M alpha 1; minus strand), KCNMA1-AS1 (KCNMA1 antisense RNA 1; plus strand). Cytogenetic location: 10q22.3.
Variant type: single nucleotide variant.
Coding change: c.2318G>T on transcript NM_001161352.2 (MANE Select); coding-DNA position 2318, G replaced by T.
Protein change: p.Gly773Val; replaces glycine 773 with valine.
Molecular consequence: missense variant.
Genome position (GRCh38, 1-based): chr10:76,970,016, C>A on the plus strand (G>T on the coding strand, the complement: KCNMA1 is on the minus strand). VCF-style: chr10-76970016-C-A. GRCh37 (hg19) VCF-style: chr10-78729774-C-A.
Other names: c.2156G>T, p.Gly719Val (NM_001014797.3, NM_001322835.2, NM_001322837.2); c.2144G>T, p.Gly715Val (NM_001161353.2, NM_001322832.2, NM_001410940.1 and 1 more transcripts); c.1994G>T, p.Gly665Val (NM_001271518.2); c.2153G>T, p.Gly718Val (NM_001271519.2, NM_001322829.2, NM_001322836.2); c.2165G>T, p.Gly722Val (NM_001322830.2); c.1691G>T, p.Gly564Val (NM_001322838.2); short protein forms G564V, G665V, G715V, G718V, G719V, G722V, G773V.
Identifiers: ClinVar variation 3372083 (VCV003372083.1).